The following is an entry in ClinVar:

NM_199242.3(UNC13D):c.24G>A (p.Pro8=)

Gene: UNC13D (unc-13 homolog D; minus strand). Cytogenetic location: 17q25.1.
Variant type: single nucleotide variant.
Coding change: c.24G>A on transcript NM_199242.3 (MANE Select); coding-DNA position 24, G replaced by A.
Protein change: p.Pro8=; no amino-acid change (proline 8 retained).
Molecular consequence: synonymous variant.
Genome position (GRCh38, 1-based): chr17:75,844,314, C>T on the plus strand (G>A on the coding strand, the complement: UNC13D is on the minus strand). VCF-style: chr17-75844314-C-T. GRCh37 (hg19) VCF-style: chr17-73840395-C-T.
Identifiers: ClinVar variation 263227 (VCV000263227.37), dbSNP rs143320460, ClinGen allele CA8773698.
Genomic context (GRCh38, chr17:75,844,314, plus strand): 5'-ATCTCTGACTCTGCGGCGCCTTATCTTGATGGCCTGGCGCAAGAAGGGAGGGCGCTGCTG[C>T]GGATGGGAGAGGAGTGTCGCCATGGTGGCCTTCTCTGCCCTTCCCTGTCCGCTGGTGCTG-3'
Protein context (NP_954712.1, residues 1-18): MATLLSH[Pro8=]QQRPPFLRQA

ClinVar aggregate classification (germline): Conflicting classifications of pathogenicity. Review status: criteria provided, conflicting classifications (1 of 4 stars). 6 submissions from 6 submitters: Uncertain significance (1); Benign (1); Likely benign (3). 1 of the submissions does not count toward it. Last evaluated 2026-02-04.

Conditions:
Autoinflammatory syndrome. Identifiers: Orphanet 93665, MedGen C3890737, MONDO:0019751.
UNC13D-related disorder. Also called: UNC13D-related condition.
Familial hemophagocytic lymphohistiocytosis 3 (FHL3). Also called: UNC13D-Related Familial Hemophagocytic Lymphohistiocytosis (UNC13D-fHLH). Identifiers: Orphanet 540, MedGen C1837174, MONDO:0012146, OMIM 608898.

Allele frequency attached by ClinVar (database versions not stated): 1000 Genomes Project 0.00060; ESP Exome Variant Server 0.00077; 1000 Genomes Project 30x 0.00078; gnomAD 0.00095 and 0.00096; gnomAD exomes 0.00095 and 0.00159; TOPMed 0.00107; ExAC 0.00155.
gnomAD v4.1: 1,615 of 1,611,952 alleles (0.1%); highest among the groups gnomAD compares: Middle Eastern, 2.6%; 15 homozygotes.

Submissions (6):

Labcorp Genetics (formerly Invitae), Labcorp
Classification: Benign for Familial hemophagocytic lymphohistiocytosis 3. Last evaluated: 2026-02-04. Review status: criteria provided, single submitter. Criteria: Invitae Variant Classification Sherloc (09022015). Collection method: clinical testing. Allele origin: germline.

CeGaT Center for Human Genetics Tuebingen
Classification: Likely benign. Last evaluated: 2024-12-01. Review status: criteria provided, single submitter. Criteria: CeGaT Center For Human Genetics Tuebingen Variant Classification Criteria Version 2. Collection method: clinical testing. Allele origin: germline. Affected: yes. Observed: 2 variant alleles.
Comment: UNC13D: BP4, BP7

Blueprint Genetics
Classification: Likely benign. Last evaluated: 2024-11-27. Review status: criteria provided, single submitter. Criteria: ACMG Guidelines, 2015. Collection method: clinical testing. Allele origin: germline.

Genome Diagnostics Laboratory, The Hospital for Sick Children
Classification: Likely benign for Autoinflammatory syndrome. Last evaluated: 2021-02-26. Review status: criteria provided, single submitter. Criteria: ACMG Guidelines, 2015. Collection method: clinical testing. Allele origin: germline. Affected: yes.

Illumina Laboratory Services, Illumina
Classification: Uncertain significance for Familial hemophagocytic lymphohistiocytosis 3. Last evaluated: 2018-01-12. Review status: criteria provided, single submitter. Criteria: ICSL Variant Classification Criteria 13 December 2019. Collection method: clinical testing. Allele origin: germline.

PreventionGenetics, part of Exact Sciences
Classification: Benign for UNC13D-related condition. Last evaluated: 2019-04-11. Review status: no assertion criteria provided. Collection method: clinical testing. Allele origin: germline. Not counted in ClinVar's aggregate classification.
Comment: This variant is classified as benign based on ACMG/AMP sequence variant interpretation guidelines (Richards et al. 2015 PMID: 25741868, with internal and published modifications).